The following is an entry in ClinVar:

ClinVar aggregate classification (germline): Uncertain significance. Review status: criteria provided, multiple submitters, no conflicts (2 of 4 stars). 2 submissions from 2 submitters: Uncertain significance (2). Last evaluated 2025-10-26.

Conditions:
Seizures, benign familial infantile, 5 (BFIS5). Also called: CONVULSIONS, BENIGN FAMILIAL INFANTILE, 5. Identifiers: Orphanet 306, MedGen C4310728, MONDO:0014903, OMIM 617080.
Myoclonus, familial, 2. Identifiers: MedGen C5193056, MONDO:0100092, OMIM 618364.
Developmental and epileptic encephalopathy, 13 (DEE13). Also called: Early infantile epileptic encephalopathy 13; Developmental and Epileptic Encephalopathy (SCN8A-DEE); SCN8A-Related Epilepsy. Identifiers: Orphanet 442835, MedGen C3281191, MONDO:0013801, OMIM 614558.
Cognitive impairment with or without cerebellar ataxia (CIAT). Identifiers: MedGen C3280415, MONDO:0013680, OMIM 614306.
Early-infantile DEE. Also called: Early infantile epileptic encephalopathy; Ohtahara syndrome; Early infantile epileptic encephalopathy with suppression bursts. Identifiers: Orphanet 1934, MedGen C0393706, MONDO:0800491.

Submissions (2):

Labcorp Genetics (formerly Invitae), Labcorp
Classification: Uncertain significance for Early-infantile DEE. Last evaluated: 2025-10-26. Review status: criteria provided, single submitter. Criteria: Invitae Variant Classification Sherloc (09022015). Collection method: clinical testing. Allele origin: germline.
Comment: This sequence change replaces asparagine, which is neutral and polar, with threonine, which is neutral and polar, at codon 1107 of the SCN8A protein (p.Asn1107Thr). This variant is not present in population databases (gnomAD no frequency). This variant has not been reported in the literature in individuals affected with SCN8A-related conditions. ClinVar contains an entry for this variant (Variation ID: 3704518). Invitae Evidence Modeling of protein sequence and biophysical properties (such as structural, functional, and spatial information, amino acid conservation, physicochemical variation, residue mobility, and thermodynamic stability) indicates that this missense variant is not expected to disrupt SCN8A protein function with a negative predictive value of 95%. In summary, the available evidence is currently insufficient to determine the role of this variant in disease. Therefore, it has been classified as a Variant of Uncertain Significance.

Department of Pathology and Laboratory Medicine, Sinai Health System
Classification: Uncertain significance for Cognitive impairment with or without cerebellar ataxia; Developmental and epileptic encephalopathy, 13; Seizures, benign familial infantile, 5; Myoclonus, familial, 2. Last evaluated: 2023-02-21. Review status: criteria provided, single submitter. Criteria: ACMG Guidelines, 2015. Collection method: research. Allele origin: germline.

NM_001330260.2(SCN8A):c.3320A>C (p.Asn1107Thr)

Gene: SCN8A (sodium voltage-gated channel alpha subunit 8; plus strand). Cytogenetic location: 12q13.13.
Variant type: single nucleotide variant.
Coding change: c.3320A>C on transcript NM_001330260.2 (MANE Select); coding-DNA position 3320, A replaced by C.
Protein change: p.Asn1107Thr; replaces asparagine 1107 with threonine.
Molecular consequence: missense variant.
Genome position (GRCh38, 1-based): chr12:51,769,283, A>C. VCF-style: chr12-51769283-A-C. GRCh37 (hg19) VCF-style: chr12-52163067-A-C.
Other names: c.3320A>C, p.Asn1107Thr (NM_001177984.3, NM_001369788.1, NM_014191.4); short protein forms N1107T.
Identifiers: ClinVar variation 3704518 (VCV003704518.3).